The following is an entry in ClinVar:

NM_004415.4(DSP):c.5959G>A (p.Asp1987Asn)

Gene: DSP (desmoplakin; plus strand). Cytogenetic location: 6p24.3.
Variant type: single nucleotide variant.
Coding change: c.5959G>A on transcript NM_004415.4 (MANE Select); coding-DNA position 5959, G replaced by A.
Protein change: p.Asp1987Asn; replaces aspartic acid 1987 with asparagine.
Molecular consequence: missense variant.
Genome position (GRCh38, 1-based): chr6:7,583,221, G>A. VCF-style: chr6-7583221-G-A. GRCh37 (hg19) VCF-style: chr6-7583454-G-A.
Other names: c.4162G>A, p.Asp1388Asn (NM_001008844.3); c.4630G>A, p.Asp1544Asn (NM_001319034.2); c.5959G>A (LRG_423t1, NM_004415.3); short protein forms D1987N, D1388N, D1544N.
Identifiers: ClinVar variation 573062 (VCV000573062.24), dbSNP rs759443302, ClinGen allele CA046150.

ClinVar aggregate classification (germline): Conflicting classifications of pathogenicity. Review status: criteria provided, conflicting classifications (1 of 4 stars). 9 submissions from 9 submitters: Uncertain significance (8); Likely benign (1). Last evaluated 2026-03-19.

Conditions:
Arrhythmogenic cardiomyopathy with wooly hair and keratoderma. Also called: Dilated cardiomyopathy with woolly hair and keratoderma; Arrhythmogenic cardiomyopathy with woolly hair and keratoderma; PALMOPLANTAR KERATODERMA WITH LEFT VENTRICULAR CARDIOMYOPATHY AND WOOLLY HAIR; Carvajal syndrome. Identifiers: Orphanet 65282, MedGen C1854063, MONDO:0011581, OMIM 605676.
Keratosis palmoplantaris striata 2. Also called: Keratosis palmoplantaris striata II; KERATODERMA, PALMOPLANTAR, STRIATE FORM II; STRIATE PALMOPLANTAR KERATODERMA II. Identifiers: MedGen C1852127, MONDO:0013034, OMIM 612908.
Woolly hair-skin fragility syndrome (WHSF). Identifiers: Orphanet 293165, MedGen C1843292, MONDO:0957307, OMIM 620415.
Lethal acantholytic epidermolysis bullosa (EBLA). Identifiers: Orphanet 158687, MedGen C1864826, MONDO:0012323, OMIM 609638.
Arrhythmogenic right ventricular dysplasia 8 (ARVD8). Also called: Arrhythmogenic Right Ventricular Dysplasia/Cardiomyopathy 8; ARRHYTHMOGENIC RIGHT VENTRICULAR DYSPLASIA, FAMILIAL, 8; ARRHYTHMOGENIC RIGHT VENTRICULAR CARDIOMYOPATHY 8. Identifiers: MedGen C1843896, MONDO:0011831, OMIM 607450.
Cardiomyopathy, dilated, with wooly hair, keratoderma, and tooth agenesis. Also called: Cardiomyopathy, dilated, with woolly hair, keratoderma, and tooth agenesis; Erythrokeratodermia-cardiomyopathy syndrome. Identifiers: Orphanet 476096, Orphanet 65282, MedGen C4014393, MONDO:0014355, OMIM 615821.
DSP-related disorder. Also called: DSP-related condition; DSP-related disorders.
Cardiovascular phenotype. Identifiers: MedGen CN230736.
Cardiomyopathy (CMYO). Also called: Cardiomyopathies. Identifiers: Orphanet 167848, MedGen C0878544, MONDO:0004994, HP:0001638. Inheritance: Various modes of inheritance.

Allele frequency attached by ClinVar (database versions not stated): gnomAD 0.00001; gnomAD exomes 0.00001 and 0.00002; ExAC 0.00002; TOPMed 0.00003.
gnomAD v4.1: 17 of 1,614,016 alleles (0.0011%); highest among the groups gnomAD compares: South Asian, 0.0044%; no homozygotes.

Submissions (9):

PreventionGenetics, part of Exact Sciences
Classification: Uncertain significance for DSP-related condition. Last evaluated: 2026-03-19. Review status: criteria provided, single submitter. Criteria: ACMG Guidelines, 2015. Collection method: clinical testing. Allele origin: germline.
Comment: The DSP c.5959G>A variant is predicted to result in the amino acid substitution p.Asp1987Asn. To our knowledge, this variant has not been reported in the literature. This variant is reported in 0.0098% of alleles in individuals of South Asian descent in gnomAD. At this time, the clinical significance of this variant is uncertain due to the absence of conclusive functional and genetic evidence.

Women's Health and Genetics/Laboratory Corporation of America, LabCorp
Classification: Uncertain significance. Last evaluated: 2026-02-16. Review status: criteria provided, single submitter. Criteria: LabCorp Variant Classification Summary - May 2015. Collection method: clinical testing. Allele origin: germline.
Comment: Variant summary: DSP c.5959G>A (p.Asp1987Asn) results in a conservative amino acid change in the encoded protein sequence. Algorithms developed to predict the effect of missense changes on protein structure and function are either unavailable or do not agree on the potential impact of this missense change. The variant allele was found at a frequency of 2.4e-05 in 251410 control chromosomes. The available data on variant occurrences in the general population are insufficient to allow any conclusion about variant significance. c.5959G>A has been observed in an individual in the setting of panel study for Cardiomyopathy without clear evidence for causality (Celestino-Sope_2017). These report(s) do not provide unequivocal conclusions about association of the variant with Arrhythmogenic Right Ventricular Dysplasia/Cardiomyopathy. To our knowledge, no experimental evidence demonstrating an impact on protein function has been reported. The following publication have been ascertained in the context of this evaluation (PMID: 28361054). ClinVar contains an entry for this variant (Variation ID: 573062). Based on the evidence outlined above, the variant was classified as uncertain significance.

Labcorp Genetics (formerly Invitae), Labcorp
Classification: Likely benign for Arrhythmogenic cardiomyopathy with wooly hair and keratoderma; Arrhythmogenic right ventricular dysplasia 8. Last evaluated: 2026-01-06. Review status: criteria provided, single submitter. Criteria: Invitae Variant Classification Sherloc (09022015). Collection method: clinical testing. Allele origin: germline.

GeneDx
Classification: Uncertain significance. Last evaluated: 2025-01-27. Review status: criteria provided, single submitter. Criteria: GeneDx Variant Classification Process June 2021. Collection method: clinical testing. Allele origin: germline. Affected: yes.
Comment: In silico analysis indicates that this missense variant does not alter protein structure/function; Has not been previously published as pathogenic or benign to our knowledge

All of Us Research Program, National Institutes of Health
Classification: Uncertain significance for Arrhythmogenic cardiomyopathy with wooly hair and keratoderma. Last evaluated: 2024-08-13. Review status: criteria provided, single submitter. Criteria: ACMG Guidelines, 2015. Collection method: clinical testing. Allele origin: germline. Inheritance: Autosomal dominant inheritance. Observed: 11 variant alleles, 11 heterozygotes.
Comment: This missense variant replaces aspartic acid with asparagine at codon 1987 of the DSP protein. Computational prediction suggests that this variant may not impact protein structure and function (internally defined REVEL score threshold <= 0.5, PMID: 27666373). To our knowledge, functional studies have not been reported for this variant. This variant has not been reported in individuals affected with DSP-related disorders in the literature. This variant has been identified in 8/282798 chromosomes in the general population by the Genome Aggregation Database (gnomAD). The available evidence is insufficient to determine the role of this variant in disease conclusively. Therefore, this variant is classified as a Variant of Uncertain Significance.

This study involves interpretation of variants in research participants for the purpose of population health screening. Participant phenotype was not available at the time of variant classification. Additional details can be found in publication PMID: 35346344, PMCID: PMC8962531

Color Diagnostics, LLC DBA Color Health
Classification: Uncertain significance for Cardiomyopathy. Last evaluated: 2024-03-06. Review status: criteria provided, single submitter. Criteria: ACMG Guidelines, 2015. Collection method: clinical testing. Allele origin: germline.
Comment: This missense variant replaces aspartic acid with asparagine at codon 1987 of the DSP protein. Computational prediction suggests that this variant may not impact protein structure and function (internally defined REVEL score threshold <= 0.5, PMID: 27666373). To our knowledge, functional studies have not been reported for this variant. This variant has not been reported in individuals affected with DSP-related disorders in the literature. This variant has been identified in 8/282798 chromosomes in the general population by the Genome Aggregation Database (gnomAD). The available evidence is insufficient to determine the role of this variant in disease conclusively. Therefore, this variant is classified as a Variant of Uncertain Significance.

Ambry Genetics
Classification: Uncertain significance for Cardiovascular phenotype. Last evaluated: 2023-07-01. Review status: criteria provided, single submitter. Criteria: Ambry Variant Classification Scheme 2023. Collection method: clinical testing. Allele origin: germline.
Comment: The p.D1987N variant (also known as c.5959G>A), located in coding exon 24 of the DSP gene, results from a G to A substitution at nucleotide position 5959. The aspartic acid at codon 1987 is replaced by asparagine, an amino acid with highly similar properties. This amino acid position is conserved. In addition, this alteration is predicted to be tolerated by in silico analysis. Since supporting evidence is limited at this time, the clinical significance of this alteration remains unclear.

Fulgent Genetics
Classification: Uncertain significance for Arrhythmogenic cardiomyopathy with wooly hair and keratoderma; Arrhythmogenic right ventricular dysplasia 8; Lethal acantholytic epidermolysis bullosa; Keratosis palmoplantaris striata 2; Cardiomyopathy, dilated, with wooly hair, keratoderma, and tooth agenesis. Last evaluated: 2021-09-13. Review status: criteria provided, single submitter. Criteria: ACMG Guidelines, 2015. Collection method: clinical testing. Allele origin: unknown.

Blueprint Genetics
Classification: Uncertain significance. Last evaluated: 2017-09-28. Review status: criteria provided, single submitter. Criteria: ACMG Guidelines, 2015. Collection method: clinical testing. Allele origin: germline.

Literature cited by the submitters: PubMed 28361054 (cited by Women's Health and Genetics/Laboratory Corporation of America, LabCorp).